The following is an entry in ClinVar:

ClinVar aggregate classification (germline): Pathogenic (1 of 4 stars; one submission).

Conditions:
Intellectual developmental disorder 61. Also called: INTELLECTUAL DEVELOPMENTAL DISORDER, AUTOSOMAL DOMINANT 61; MENTAL RETARDATION, AUTOSOMAL DOMINANT 61. Identifiers: MedGen C5231400, MONDO:0032485, OMIM 618009.

Submission:

Genetics and Molecular Pathology, SA Pathology
Classification: Pathogenic for Intellectual developmental disorder 61. Last evaluated: 2020-06-01. Review status: criteria provided, single submitter. Criteria: ACMG Guidelines, 2015. Collection method: clinical testing. Allele origin: germline. Affected: yes.
Comment: The MED13 c.2524C>T variant is a single nucleotide change from a cytosine to a thymine at position 2524 which is predicted to substitute the amino acid glutamine at position 842 in the protein for a premature termination codon. The variant is located in exon 14 of 30 and the product is predicted to undergo nonsense mediated decay (PVS1). The variant has not been described in the literature to date. The variant has not been reported in dbSNP and is absent from population databases (PM2). The variant has not been reported in the ClinVar or HGMD disease databases.

NM_005121.3(MED13):c.2524C>T (p.Gln842Ter)

Gene: MED13 (mediator complex subunit 13; minus strand). Cytogenetic location: 17q23.2.
Variant type: single nucleotide variant.
Coding change: c.2524C>T on transcript NM_005121.3 (MANE Select); coding-DNA position 2524, C replaced by T.
Protein change: p.Gln842Ter; replaces glutamine 842 with a stop codon.
Molecular consequence: nonsense.
Genome position (GRCh38, 1-based): chr17:61,984,818, G>A on the plus strand (C>T on the coding strand, the complement: MED13 is on the minus strand). VCF-style: chr17-61984818-G-A. GRCh37 (hg19) VCF-style: chr17-60062179-G-A.
Other names: short protein forms Q842*.
Identifiers: ClinVar variation 1698767 (VCV001698767.2), dbSNP rs2143471373, ClinGen allele CA400510023.